The following is an entry in ClinVar:

NM_000553.6(WRN):c.2977C>T (p.Arg993Cys)

Gene: WRN (WRN RecQ like helicase; plus strand). Cytogenetic location: 8p12.
Variant type: single nucleotide variant.
Coding change: c.2977C>T on transcript NM_000553.6 (MANE Select); coding-DNA position 2977, C replaced by T.
Protein change: p.Arg993Cys; replaces arginine 993 with cysteine.
Molecular consequence: missense variant.
Genome position (GRCh38, 1-based): chr8:31,141,439, C>T. VCF-style: chr8-31141439-C-T. GRCh37 (hg19) VCF-style: chr8-30998955-C-T.
Other names: short protein forms R993C.
Identifiers: ClinVar variation 835893 (VCV000835893.6), dbSNP rs749330842, ClinGen allele CA4704913.

ClinVar aggregate classification (germline): Uncertain significance (1 of 4 stars; one submission).

Conditions:
Werner syndrome (WRN). Identifiers: Orphanet 902, MedGen C0043119, MONDO:0010196, OMIM 277700.

Allele frequency attached by ClinVar (database versions not stated): gnomAD exomes below 0.00001 and 0.00001; ExAC 0.00001; gnomAD 0.00001; TOPMed 0.00001.
gnomAD v4.1: 15 of 1,613,950 alleles (0.00093%); highest among the groups gnomAD compares: East Asian, 0.0045%; no homozygotes.

Submission:

Labcorp Genetics (formerly Invitae), Labcorp
Classification: Uncertain significance for Werner syndrome. Last evaluated: 2026-01-21. Review status: criteria provided, single submitter. Criteria: Invitae Variant Classification Sherloc (09022015). Collection method: clinical testing. Allele origin: germline.
Comment: This sequence change replaces arginine, which is basic and polar, with cysteine, which is neutral and slightly polar, at codon 993 of the WRN protein (p.Arg993Cys). This variant is present in population databases (rs749330842, gnomAD 0.006%). This variant has not been reported in the literature in individuals affected with WRN-related conditions. ClinVar contains an entry for this variant (Variation ID: 835893). An algorithm developed to predict the effect of missense changes on protein structure and function (PolyPhen-2) suggests that this variant is likely to be disruptive. In summary, the available evidence is currently insufficient to determine the role of this variant in disease. Therefore, it has been classified as a Variant of Uncertain Significance.